The following is an entry in ClinVar:

ClinVar aggregate classification (germline): Likely benign. Review status: criteria provided, single submitter (1 of 4 stars). 2 submissions from 2 submitters: Likely benign (1). 1 of the submissions does not count toward it. Last evaluated 2025-12-22.

Conditions:
RSPH1-related disorder. Also called: RSPH1-related condition.
Primary ciliary dyskinesia. Also called: Ciliary dyskinesia. Identifiers: Orphanet 244, MedGen C0008780, MONDO:0016575, HP:0012265.

Allele frequency attached by ClinVar (database versions not stated): ExAC 0.00027; 1000 Genomes Project 30x 0.00078; 1000 Genomes Project 0.00100; gnomAD 0.00102 and 0.00104; ESP Exome Variant Server 0.00108; gnomAD exomes 0.00011 and 0.00024; TOPMed 0.00116.
gnomAD v4.1: 329 of 1,610,318 alleles (0.02%); highest among the groups gnomAD compares: African/African-American, 0.35%; 1 homozygote.

Submissions (2):

Labcorp Genetics (formerly Invitae), Labcorp
Classification: Likely benign for Primary ciliary dyskinesia. Last evaluated: 2025-12-22. Review status: criteria provided, single submitter. Criteria: Invitae Variant Classification Sherloc (09022015). Collection method: clinical testing. Allele origin: germline.

PreventionGenetics, part of Exact Sciences
Classification: Likely benign for RSPH1-related condition. Last evaluated: 2024-01-12. Review status: no assertion criteria provided. Collection method: clinical testing. Allele origin: germline. Not counted in ClinVar's aggregate classification.
Comment: This variant is classified as likely benign based on ACMG/AMP sequence variant interpretation guidelines (Richards et al. 2015 PMID: 25741868, with internal and published modifications).

NM_080860.4(RSPH1):c.683C>T (p.Pro228Leu)

Gene: RSPH1 (radial spoke head component 1; minus strand). Cytogenetic location: 21q22.3.
Variant type: single nucleotide variant.
Coding change: c.683C>T on transcript NM_080860.4 (MANE Select); coding-DNA position 683, C replaced by T.
Protein change: p.Pro228Leu; replaces proline 228 with leucine.
Molecular consequence: missense variant.
Genome position (GRCh38, 1-based): chr21:42,477,335, G>A on the plus strand (C>T on the coding strand, the complement: RSPH1 is on the minus strand). VCF-style: chr21-42477335-G-A. GRCh37 (hg19) VCF-style: chr21-43897445-G-A.
Other names: c.569C>T, p.Pro190Leu (NM_001286506.2); short protein forms P228L, P190L.
Identifiers: ClinVar variation 696446 (VCV000696446.12), dbSNP rs149604283, ClinGen allele CA10043835.
Genomic context (GRCh38, chr21:42,477,335, plus strand): 5'-CGGGGGTGCCCCACACTCTCAGCTCCTGGAGCGTCTTGGCCAGGTCCATCCGTAGAGGTC[G>A]GCTTTTTGGGGAGAGTTGGTGTCCACAGGGCCAATTCAGTGATTTGGGTAGCTTTCCATT-3'
Protein context (NP_543136.1, residues 218-238): ALWTPTLPKK[Pro228Leu]TSTDGPGQDA